The following is an entry in ClinVar:

ClinVar aggregate classification (germline): Conflicting classifications of pathogenicity. Review status: criteria provided, conflicting classifications (1 of 4 stars). 2 submissions from 2 submitters: Uncertain significance (1); Likely benign (1). Last evaluated 2023-07-17.

Conditions:
Catecholaminergic polymorphic ventricular tachycardia 1. Also called: VENTRICULAR TACHYCARDIA, CATECHOLAMINERGIC POLYMORPHIC, 1, WITH OR WITHOUT ATRIAL DYSFUNCTION AND/OR DILATED CARDIOMYOPATHY; RYR2-Related Catecholaminergic Polymorphic Ventricular Tachycardia; VENTRICULAR TACHYCARDIA, STRESS-INDUCED POLYMORPHIC 1. Identifiers: Orphanet 3286, MedGen C1631597, MONDO:0011484, OMIM 604772.
Cardiomyopathy (CMYO). Also called: Cardiomyopathies. Identifiers: Orphanet 167848, MedGen C0878544, MONDO:0004994, HP:0001638. Inheritance: Various modes of inheritance.

gnomAD v4.1: 5 of 1,590,488 alleles (0.00031%); highest among the groups gnomAD compares: South Asian, 0.0044%; 1 homozygote.

Submissions (2):

Labcorp Genetics (formerly Invitae), Labcorp
Classification: Likely benign for Catecholaminergic polymorphic ventricular tachycardia 1. Last evaluated: 2023-07-17. Review status: criteria provided, single submitter. Criteria: Invitae Variant Classification Sherloc (09022015). Collection method: clinical testing. Allele origin: germline.

Color Diagnostics, LLC DBA Color Health
Classification: Uncertain significance for Cardiomyopathy. Last evaluated: 2019-05-20. Review status: criteria provided, single submitter. Criteria: ACMG Guidelines, 2015. Collection method: clinical testing. Allele origin: germline.
Comment: This intronic variant changes a single nucleotide near intron 80 splice acceptor site of the RYR2 gene. Computational splicing tools are inconclusive regarding the impact of this variant on RNA splicing. To our knowledge, functional studies have not been performed for this variant not has this variant been reported in individuals affected with cardiovascular disorders in the literature. This variant has not been identified in the general population by the Genome Aggregation Database (gnomAD). Available evidence is insufficient to determine the role of this variant in disease conclusively. Therefore, this variant is classified as a Variant of Uncertain Significance.

NM_001035.3(RYR2):c.11146-8G>A

Gene: RYR2 (ryanodine receptor 2; plus strand). Cytogenetic location: 1q43.
Variant type: single nucleotide variant.
Coding change: c.11146-8G>A on transcript NM_001035.3 (MANE Select); 8 bases into the intron before coding-DNA position 11146, G replaced by A.
Molecular consequence: intron variant.
Genome position (GRCh38, 1-based): chr1:237,756,280, G>A. VCF-style: chr1-237756280-G-A. GRCh37 (hg19) VCF-style: chr1-237919580-G-A.
Identifiers: ClinVar variation 925056 (VCV000925056.10), dbSNP rs1425021300, ClinGen allele CA529550845.